The following is an entry in ClinVar:

NM_014009.4(FOXP3):c.1222G>A (p.Val408Met)

Gene: FOXP3 (forkhead box P3; minus strand). Cytogenetic location: Xp11.23.
Variant type: single nucleotide variant.
Coding change: c.1222G>A on transcript NM_014009.4 (MANE Select); coding-DNA position 1222, G replaced by A.
Protein change: p.Val408Met; replaces valine 408 with methionine.
Molecular consequence: missense variant.
Genome position (GRCh38, 1-based): chrX:49,251,408, C>T on the plus strand (G>A on the coding strand, the complement: FOXP3 is on the minus strand). VCF-style: chrX-49251408-C-T. GRCh37 (hg19) VCF-style: chrX-49107869-C-T.
Other names: c.1117G>A, p.Val373Met (NM_001114377.2); short protein forms V408M, V373M.
Identifiers: ClinVar variation 435255 (VCV000435255.17), dbSNP rs1557115532, ClinGen allele CA412947408.

ClinVar aggregate classification (germline): Pathogenic/Likely pathogenic. Review status: criteria provided, multiple submitters, no conflicts (2 of 4 stars). 5 submissions from 5 submitters: Pathogenic (2); Likely pathogenic (3). Last evaluated 2026-09-07.

Conditions:
FOXP3-related disorder. Also called: FOXP3-related condition.
Insulin-dependent diabetes mellitus secretory diarrhea syndrome (IPEX). Also called: Immunodysregulation, polyendocrinopathy, and enteropathy, X-linked; X-Linked Autoimmunity-Allergic Dysregulation Syndrome; DIABETES MELLITUS, CONGENITAL INSULIN-DEPENDENT, WITH FATAL SECRETORY DIARRHEA; DIARRHEA, POLYENDOCRINOPATHY, FATAL INFECTION SYNDROME, X-LINKED; ENTEROPATHY, AUTOIMMUNE, WITH HEMOLYTIC ANEMIA AND POLYENDOCRINOPATHY; IMMUNODEFICIENCY, POLYENDOCRINOPATHY, AND ENTEROPATHY, X-LINKED. Identifiers: Orphanet 37042, MedGen C0342288, MONDO:0010580, OMIM 304790. Disease mechanism: loss of function.

Submissions (5):

PreventionGenetics, part of Exact Sciences
Classification: Likely pathogenic for FOXP3-related condition. Last evaluated: 2026-09-07. Review status: criteria provided, single submitter. Criteria: ACMG Guidelines, 2015. Collection method: clinical testing. Allele origin: germline.
Comment: The FOXP3 c.1222G>A variant is predicted to result in the amino acid substitution p.Val408Met. This variant has been reported in individuals with neonatal diabetes and/or IPEX syndrome (Immunodysregulation, Polyendocrinopathy, Enteropathy, X-linked) (see, for example, Rubio-Cabezas et al. 2009. PubMed ID: 18931102; Gambineri et al. 2018. PubMed ID: 30443250; Supplementary Table 1, Ye et al. 2019. PubMed ID: 30894704; Cao et al. 2020. PubMed ID: 32279225; Zemmour et al. 2021. PubMed ID: 33833438). This variant has not been reported in a large population database (gnomAD), indicating this variant is rare. This variant is interpreted as likely pathogenic.

Labcorp Genetics (formerly Invitae), Labcorp
Classification: Pathogenic for Insulin-dependent diabetes mellitus secretory diarrhea syndrome. Last evaluated: 2025-09-11. Review status: criteria provided, single submitter. Criteria: Invitae Variant Classification Sherloc (09022015). Collection method: clinical testing. Allele origin: germline.
Comment: This sequence change replaces valine, which is neutral and non-polar, with methionine, which is neutral and non-polar, at codon 408 of the FOXP3 protein (p.Val408Met). This variant is not present in population databases (gnomAD no frequency). This missense change has been observed in individuals with clinical features of IPEX syndrome, congenital enteropathy, and/or neonatal diabetes (PMID: 18931102, 30443250, 30894704, 32279225, 33833438, 34216291). It has also been observed to segregate with disease in related individuals. ClinVar contains an entry for this variant (Variation ID: 435255). Invitae Evidence Modeling of protein sequence and biophysical properties (such as structural, functional, and spatial information, amino acid conservation, physicochemical variation, residue mobility, and thermodynamic stability) indicates that this missense variant is expected to disrupt FOXP3 protein function with a positive predictive value of 80%. For these reasons, this variant has been classified as Pathogenic.

Women's Health and Genetics/Laboratory Corporation of America, LabCorp
Classification: Likely pathogenic for Insulin-dependent diabetes mellitus secretory diarrhea syndrome. Last evaluated: 2022-04-29. Review status: criteria provided, single submitter. Criteria: LabCorp Variant Classification Summary - May 2015. Collection method: clinical testing. Allele origin: germline.
Comment: Variant summary: FOXP3 c.1222G>A (p.Val408Met) results in a conservative amino acid change located in the Fork head domain of the encoded protein sequence. Four of five in-silico tools predict a damaging effect of the variant on protein function. The variant was absent in 182058 control chromosomes. c.1222G>A has been reported in the literature in individuals affected with Insulin-Dependent Diabetes Mellitus Secretory Diarrhea Syndrome. These data indicate that the variant is likely to be associated with disease. To our knowledge, no experimental evidence demonstrating an impact on protein function has been reported. Two clinical diagnostic laboratories have submitted clinical-significance assessments for this variant to ClinVar after 2014 without evidence for independent evaluation. One laboratory classified the variant as likely pathogenic, and one laboratory classified the variant as uncertain significance. Based on the evidence outlined above, the variant was classified as likely pathogenic.

Blueprint Genetics
Classification: Pathogenic for FOXP3-related disorders. Last evaluated: 2019-12-03. Review status: criteria provided, single submitter. Criteria: ACMG Guidelines, 2015. Collection method: clinical testing. Allele origin: germline. Affected: yes. Observed: 2 variant alleles.

Genetic Services Laboratory, University of Chicago
Classification: Likely pathogenic for Immunodysregulation, polyendocrinopathy, and enteropathy, X-linked. Last evaluated: 2017-02-02. Review status: criteria provided, single submitter. Criteria: ACMG Guidelines, 2015. Collection method: clinical testing. Allele origin: germline. Affected: yes.

Literature cited by the submitters: PubMed 18931102 (cited by Labcorp Genetics (formerly Invitae), Labcorp and Women's Health and Genetics/Laboratory Corporation of America, LabCorp); PubMed 30443250 (cited by Labcorp Genetics (formerly Invitae), Labcorp and Women's Health and Genetics/Laboratory Corporation of America, LabCorp); PubMed 30894704 (cited by Labcorp Genetics (formerly Invitae), Labcorp); PubMed 32279225 (cited by Labcorp Genetics (formerly Invitae), Labcorp); PubMed 33833438 (cited by Labcorp Genetics (formerly Invitae), Labcorp); PubMed 34216291 (cited by Labcorp Genetics (formerly Invitae), Labcorp).